The following is an entry in ClinVar:

ClinVar aggregate classification (germline): Uncertain significance. Review status: criteria provided, multiple submitters, no conflicts (2 of 4 stars). 4 submissions from 4 submitters: Uncertain significance (2). 2 of the submissions do not count toward it. Last evaluated 2021-10-01.

Conditions:
Sandhoff disease. Also called: Beta-hexosaminidase-beta-subunit deficiency; GM2 gangliosidosis, type 2; Total hexosaminidase deficiency; Sandhoff-Jatzkewitz-Pilz disease; GM2-GANGLIOSIDOSIS, TYPE II; HEXOSAMINIDASES A AND B DEFICIENCY. Identifiers: Orphanet 796, MedGen C0036161, MONDO:0010006, OMIM 268800.
Hexosaminidase B (Paris). Identifiers: MedGen C4016989.

Allele frequency attached by ClinVar (database versions not stated): ExAC 0.00001; gnomAD exomes 0.00001 and 0.00002; gnomAD 0.00002.

Submissions (4):

Labcorp Genetics (formerly Invitae), Labcorp
Classification: Uncertain significance for Sandhoff disease. Last evaluated: 2021-10-01. Review status: criteria provided, single submitter. Criteria: Invitae Variant Classification Sherloc (09022015). Collection method: clinical testing. Allele origin: germline.
Comment: This variant, c.1614-16_1615dup, results in the insertion of 6 amino acid(s) to the HEXB protein (p.Glu538_Arg539insLeuHisValIleTyrArg), but otherwise preserves the integrity of the reading frame. The frequency data for this variant in the population databases is considered unreliable, as metrics indicate poor data quality at this position in the ExAC database. This variant has been observed in individual(s) with HEXB-related conditions (PMID: 2170400). This variant is also known as Hexosaminidase Paris. ClinVar contains an entry for this variant (Variation ID: 496985). Algorithms developed to predict the effect of variants on protein structure and function are not available or were not evaluated for this variant. Experimental studies have shown that this variant affects HEXB function (PMID: 2170400). Algorithms developed to predict the effect of sequence changes on RNA splicing suggest that this variant may create or strengthen a splice site. In summary, the available evidence is currently insufficient to determine the role of this variant in disease. Therefore, it has been classified as a Variant of Uncertain Significance.

Eurofins Ntd Llc (ga)
Classification: Uncertain significance. Last evaluated: 2015-10-06. Review status: criteria provided, single submitter. Criteria: EGL Classification Definitions 2015. Collection method: clinical testing. Allele origin: germline. Observed: 2 variant alleles, 1 heterozygote, 1 homozygote.

Counsyl
Classification: Uncertain significance for Sandhoff disease. Last evaluated: 2018-04-25. Review status: no assertion criteria provided. Collection method: clinical testing. Allele origin: unknown. Not counted in ClinVar's aggregate classification.

OMIM
Classification: Pathogenic for HEXOSAMINIDASE B (PARIS). Last evaluated: 1990-10-15. Review status: no assertion criteria provided. Collection method: literature only. Allele origin: germline. Not counted in ClinVar's aggregate classification.

Literature cited by the submitters: PubMed 2170400 (cited by 3 submitters); PubMed 868875 (cited by OMIM).

NM_000521.4(HEXB):c.1614-16_1615dup

Gene: HEXB (hexosaminidase subunit beta; plus strand). Cytogenetic location: 5q13.3.
Variant type: Duplication.
Coding change: c.1614-16_1615dup on transcript NM_000521.4 (MANE Select); 16 bases into the intron before coding-DNA position 1614 through coding-DNA position 1615, 18 bases duplicated (TTCATGTTATCTACAGAC).
Molecular consequence: splice acceptor variant.
Genome position (GRCh38, 1-based): chr5:74,721,102-74,721,119, TTCATGTTATCTACAGAC duplicated. VCF-style (leftmost placement, unchanged base first): chr5-74721101-A-ATTCATGTTATCTACAGAC. GRCh37 (hg19) VCF-style: chr5-74016926-A-ATTCATGTTATCTACAGAC.
Other names: c.939-16_940dup (NM_001292004.2).
Identifiers: ClinVar variation 496985 (VCV000496985.10), dbSNP rs1554037309, ClinGen allele CA3306232.